The following is an entry in ClinVar:

NM_004563.4(PCK2):c.1025G>A (p.Arg342Gln)

Genes: NRL (neural retina leucine zipper; minus strand), PCK2 (phosphoenolpyruvate carboxykinase 2, mitochondrial; plus strand). Cytogenetic location: 14q12.
Variant type: single nucleotide variant.
Coding change: c.1025G>A on transcript NM_004563.4 (MANE Select); coding-DNA position 1025, G replaced by A.
Protein change: p.Arg342Gln; replaces arginine 342 with glutamine.
Molecular consequence: missense variant. On other transcripts: intron variant (3).
Genome position (GRCh38, 1-based): chr14:24,100,004, G>A. VCF-style: chr14-24100004-G-A. GRCh37 (hg19) VCF-style: chr14-24569213-G-A.
Other names: c.1025G>A, p.Arg342Gln (NM_001018073.3); c.623G>A, p.Arg208Gln (NM_001291556.2, NM_001308054.2); c.-28+14718C>T (NM_001354768.3, NM_001354770.2); c.-254+14718C>T (NM_006177.5); short protein forms R208Q, R342Q.
Identifiers: ClinVar variation 2590938 (VCV002590938.4), dbSNP rs770977717, ClinGen allele CA7123351.

ClinVar aggregate classification (germline): Uncertain significance. Review status: criteria provided, multiple submitters, no conflicts (2 of 4 stars). 2 submissions from 2 submitters: Uncertain significance (2). Last evaluated 2025-08-14.

Conditions:
PCK2-related disorder. Also called: PCK2-related condition.

Allele frequency attached by ClinVar (database versions not stated): ExAC 0.00002; TOPMed 0.00003; gnomAD exomes 0.00004; gnomAD 0.00005.
gnomAD v4.1: 72 of 1,613,978 alleles (0.0045%); highest among the groups gnomAD compares: Non-Finnish European, 0.005%; no homozygotes.

Submissions (2):

Ambry Genetics
Classification: Uncertain significance. Last evaluated: 2025-08-14. Review status: criteria provided, single submitter. Criteria: Ambry Variant Classification Scheme 2023. Collection method: clinical testing. Allele origin: germline.

PreventionGenetics, part of Exact Sciences
Classification: Uncertain significance for PCK2-related condition. Last evaluated: 2023-02-15. Review status: criteria provided, single submitter. Criteria: ACMG Guidelines, 2015. Collection method: clinical testing. Allele origin: germline.
Comment: The PCK2 c.1025G>A variant is predicted to result in the amino acid substitution p.Arg342Gln. To our knowledge, this variant has not been reported in the literature. This variant is reported in 0.0085% of alleles in individuals of European (Non-Finnish) descent in gnomAD. At this time, the clinical significance of this variant is uncertain due to the absence of conclusive functional and genetic evidence.